The following is an entry in ClinVar:

ClinVar aggregate classification (germline): Conflicting classifications of pathogenicity. Review status: criteria provided, conflicting classifications (1 of 4 stars). 4 submissions from 4 submitters: Uncertain significance (2); Likely benign (1). 1 of the submissions does not count toward it. Last evaluated 2024-11-12.

Conditions:
Hereditary breast ovarian cancer syndrome. Also called: Hereditary breast and ovarian cancer syndrome; Hereditary breast and ovarian cancer; Hereditary breast and ovarian cancer syndrome (HBOC); Breast and ovarian cancer; Hereditary breast and/or ovarian cancer syndrome; BRCA1- and BRCA2-Associated Hereditary Breast and Ovarian Cancer. Identifiers: Orphanet 145, MedGen C0677776, MeSH D061325, MONDO:0003582. Disease mechanism: loss of function.
Hereditary cancer-predisposing syndrome. Also called: Neoplastic Syndromes, Hereditary; Tumor predisposition; Hereditary neoplastic syndrome; Hereditary Cancer Syndrome. Identifiers: Orphanet 140162, MedGen C0027672, MeSH D009386, MONDO:0015356.
Breast-ovarian cancer, familial, susceptibility to, 2 (BROVCA2). Also called: BRCA2 Hereditary Breast and Ovarian Cancer. Identifiers: Orphanet 145, MedGen C2675520, MONDO:0012933, OMIM 612555. Disease mechanism: loss of function.

Submissions (4):

Ambry Genetics
Classification: Uncertain significance for Hereditary cancer-predisposing syndrome. Last evaluated: 2024-11-12. Review status: criteria provided, single submitter. Criteria: Ambry Variant Classification Scheme 2023. Collection method: clinical testing. Allele origin: germline.
Comment: The p.A2054P variant (also known as c.6160G>C), located in coding exon 10 of the BRCA2 gene, results from a G to C substitution at nucleotide position 6160. The alanine at codon 2054 is replaced by proline, an amino acid with highly similar properties. This amino acid position is not well conserved in available vertebrate species. In addition, the in silico prediction for this alteration is inconclusive. Based on the available evidence, the clinical significance of this variant remains unclear.

University of Washington Department of Laboratory Medicine, University of Washington
Classification: Likely benign for Hereditary cancer-predisposing syndrome. Last evaluated: 2023-03-23. Review status: criteria provided, single submitter. Criteria: Dines et al. (Genet Med. 2020). Collection method: curation. Allele origin: germline.
Comment: Missense variant in a coldspot region where missense variants are very unlikely to be pathogenic (PMID:31911673).

BRCA2 exon 11 coldspot. Reclassification based on statistical prior probability.

Labcorp Genetics (formerly Invitae), Labcorp
Classification: Uncertain significance for Hereditary breast ovarian cancer syndrome. Last evaluated: 2021-06-28. Review status: criteria provided, single submitter. Criteria: Invitae Variant Classification Sherloc (09022015). Collection method: clinical testing. Allele origin: germline.
Comment: This sequence change replaces alanine with proline at codon 2054 of the BRCA2 protein (p.Ala2054Pro). The alanine residue is weakly conserved and there is a small physicochemical difference between alanine and proline. This variant is not present in population databases (ExAC no frequency). This variant has been reported in an individual affected with esophageal cancer (PMID: 14647438). ClinVar contains an entry for this variant (Variation ID: 52021). Advanced modeling of protein sequence and biophysical properties (such as structural, functional, and spatial information, amino acid conservation, physicochemical variation, residue mobility, and thermodynamic stability) performed at Invitae indicates that this missense variant is not expected to disrupt BRCA2 protein function. In summary, the available evidence is currently insufficient to determine the role of this variant in disease. Therefore, it has been classified as a Variant of Uncertain Significance.

Breast Cancer Information Core (BIC) (BRCA2)
Classification: Uncertain significance for Breast-ovarian cancer, familial 2. Last evaluated: 2004-02-20. Review status: no assertion criteria provided. Collection method: clinical testing. Allele origin: germline. Affected: yes. Observed: 1 variant allele. Not counted in ClinVar's aggregate classification.

Literature cited by the submitters: PubMed 14647438 (cited by Labcorp Genetics (formerly Invitae), Labcorp).

NM_000059.4(BRCA2):c.6160G>C (p.Ala2054Pro)

Gene: BRCA2 (BRCA2 DNA repair associated; plus strand). Cytogenetic location: 13q13.1.
Variant type: single nucleotide variant.
Coding change: c.6160G>C on transcript NM_000059.4 (MANE Select); coding-DNA position 6160, G replaced by C.
Protein change: p.Ala2054Pro; replaces alanine 2054 with proline.
Molecular consequence: missense variant.
Genome position (GRCh38, 1-based): chr13:32,340,515, G>C. VCF-style: chr13-32340515-G-C. GRCh37 (hg19) VCF-style: chr13-32914652-G-C.
Other names: short protein forms A2054P.
Identifiers: ClinVar variation 52021 (VCV000052021.11), dbSNP rs80358855, ClinGen allele CA023708.